The following is an entry in ClinVar:

NM_000434.4(NEU1):c.3G>A (p.Met1Ile)

Gene: NEU1 (neuraminidase 1; minus strand). Cytogenetic location: 6p21.33.
Variant type: single nucleotide variant.
Coding change: c.3G>A on transcript NM_000434.4 (MANE Select); coding-DNA position 3, G replaced by A.
Protein change: p.Met1Ile; changes the start codon (methionine 1).
Molecular consequence: missense variant, initiator codon variant.
Genome position (GRCh38, 1-based): chr6:31,862,774, C>T on the plus strand (G>A on the coding strand, the complement: NEU1 is on the minus strand). VCF-style: chr6-31862774-C-T. GRCh37 (hg19) VCF-style: chr6-31830551-C-T.
Other names: short protein forms M1I.
Identifiers: ClinVar variation 2734836 (VCV002734836.16), dbSNP rs747097352, ClinGen allele CA3725122.
Genomic context (GRCh38, chr6:31,862,774, plus strand): 5'-GCCCAGAATCCGCGGCCCCCAGCGTCTGTCCGGGAGCGCCGTGCTGGGTCGCTCCCCAGT[C>T]ATCTCTCCCCGCAGCTGCCGCGACCCTGGCAGCTAGACTCCACAGAGTCGGGAGTCAGCT-3'
Protein context (NP_000425.1, residues 1-11): [Met1Ile]TGERPSTALP

ClinVar aggregate classification (germline): Pathogenic/Likely pathogenic. Review status: criteria provided, multiple submitters, no conflicts (2 of 4 stars). 2 submissions from 2 submitters: Pathogenic (1); Likely pathogenic (1). Last evaluated 2025-12-22.

Allele frequency attached by ClinVar (database versions not stated): gnomAD 0.00001; gnomAD exomes 0.00001; TOPMed 0.00001; ExAC 0.00002.

Submissions (2):

Labcorp Genetics (formerly Invitae), Labcorp
Classification: Pathogenic. Last evaluated: 2025-12-22. Review status: criteria provided, single submitter. Criteria: Invitae Variant Classification Sherloc (09022015). Collection method: clinical testing. Allele origin: germline.
Comment: This sequence change affects the initiator codon of the NEU1 mRNA. This change may impact translation initiation or efficiency. The next in-frame methionine is located at codon 60. This variant is present in population databases (rs747097352, gnomAD 0.002%). Disruption of the initiator codon has been observed in individual(s) with sialidosis (PMID: 14695530). ClinVar contains an entry for this variant (Variation ID: 2734836). This variant disrupts a region of the NEU1 protein in which other variant(s) (p.Val54Met) have been determined to be pathogenic (PMID: 11063730, 23770387). This suggests that this is a clinically significant region of the protein, and that variants that disrupt it are likely to be disease-causing. For these reasons, this variant has been classified as Pathogenic.

CeGaT Center for Human Genetics Tuebingen
Classification: Likely pathogenic. Last evaluated: 2024-12-01. Review status: criteria provided, single submitter. Criteria: CeGaT Center For Human Genetics Tuebingen Variant Classification Criteria Version 2. Collection method: clinical testing. Allele origin: germline. Affected: yes. Observed: 1 variant allele.
Comment: NEU1: PM2, PM3, PS1:Moderate, PVS1:Moderate

Literature cited by the submitters: PubMed 14695530 (cited by Labcorp Genetics (formerly Invitae), Labcorp); PubMed 11063730 (cited by Labcorp Genetics (formerly Invitae), Labcorp); PubMed 23770387 (cited by Labcorp Genetics (formerly Invitae), Labcorp).